The following is an entry in ClinVar:

ClinVar aggregate classification (germline): Benign (3 of 4 stars; one submission).

Conditions:
Breast-ovarian cancer, familial, susceptibility to, 1 (BROVCA1). Also called: OVARIAN CANCER, SUSCEPTIBILITY TO; BRCA1 Hereditary Breast and Ovarian Cancer. Identifiers: Orphanet 145, MedGen C2676676, MONDO:0011450, OMIM 604370. Disease mechanism: loss of function.

Allele frequency attached by ClinVar (database versions not stated): gnomAD 0.01456 and 0.01567; 1000 Genomes Project 0.01558; 1000 Genomes Project 30x 0.01577; TOPMed 0.01667.

Submission:

Evidence-based Network for the Interpretation of Germline Mutant Alleles (ENIGMA)
Classification: Benign for Breast-ovarian cancer, familial 1. Last evaluated: 2015-01-12. Review status: reviewed by expert panel. Criteria: ENIGMA BRCA1/2 Classification Criteria (2015). Collection method: curation. Allele origin: germline.
Comment: Class 1 not pathogenic based on frequency >1% in an outbred sampleset. Frequency 0.08 (African), derived from 1000 genomes (2012-04-30).

NM_007294.3(BRCA1):c.*5513G>A

Gene: BRCA1 (BRCA1 DNA repair associated; minus strand). Cytogenetic location: 17q21.31.
Variant type: single nucleotide variant.
Coding change: c.*5513G>A on transcript NM_007294.3; 5513 bases downstream of the stop codon, G replaced by A.
Genome position (GRCh38, 1-based): chr17:43,040,165, C>T on the plus strand (G>A on the coding strand, the complement: BRCA1 is on the minus strand). VCF-style: chr17-43040165-C-T. GRCh37 (hg19) VCF-style: chr17-41192182-C-T.
Other names: 11224 G>A.
Identifiers: ClinVar variation 209222 (VCV000209222.3), dbSNP rs112222971, ClinGen allele CA276198.
Genomic context (GRCh38, chr17:43,040,165, plus strand): 5'-TTGAGACGGAGTCTCACTGTGTCACCCAGGTTGGAGTGCAGTGGCGCGATCGTGGCTCAC[C>T]GCAAGCTCTGCCTCCCAGGTTCATGCCATTCTCCTGCCTCAGCCTCCTGAGTAGCTGGGA-3'